The following is an entry in ClinVar:

NM_000132.4(F8):c.6084del (p.Gly2028_Met2029insTer)

Gene: F8 (coagulation factor VIII; minus strand). Cytogenetic location: Xq28.
Variant type: Deletion.
Coding change: c.6084del on transcript NM_000132.4 (MANE Select); coding-DNA position 6084, one base deleted (G; older notation c.6084delG).
Protein change: p.Gly2028_Met2029insTer.
Molecular consequence: frameshift variant.
Genome position (GRCh38, 1-based): chrX:154,902,082, C deleted on the plus strand (G on the coding strand, the reverse complement: F8 is on the minus strand); the first of 3 consecutive C bases (chrX:154,902,082-154,902,084); deleting any one gives the same sequence. VCF-style (leftmost placement, unchanged base first): chrX-154902081-TC-T. GRCh37 (hg19) VCF-style: chrX-154130356-TC-T.
Identifiers: ClinVar variation 3766553 (VCV003766553.1).

ClinVar aggregate classification (germline): Pathogenic (1 of 4 stars; one submission).

Submission:

ARUP Laboratories, Molecular Genetics and Genomics, ARUP Laboratories
Classification: Pathogenic. Last evaluated: 2024-04-10. Review status: criteria provided, single submitter. Criteria: ARUP Molecular Germline Variant Investigation Process 2024. Collection method: clinical testing. Allele origin: germline.
Comment: The F8 c.6084del; p.Met2029Ter variant, also known as c.6082delG, is reported in the literature in an individual affected with severe hemophilia A (see F8 database, Liu 2002). This variant is absent from the Genome Aggregation Database (v2.1.1), indicating it is not a common polymorphism. This variant induces an early termination codon and is predicted to result in a truncated protein or mRNA subject to nonsense-mediated decay. Based on available information, this variant is considered to be pathogenic. References: Liu ML et al. Non-inversion factor VIII mutations in 80 hemophilia A families including 24 with alloimmune responses. Thromb Haemost. 2002 Feb;87(2):273-6. PMID: 11858487.